The following is an entry in ClinVar:

NM_001372044.2(SHANK3):c.1235C>T (p.Thr412Ile)

Gene: SHANK3 (SH3 and multiple ankyrin repeat domains 3; plus strand). Cytogenetic location: 22q13.33.
Variant type: single nucleotide variant.
Coding change: c.1235C>T on transcript NM_001372044.2 (MANE Select); coding-DNA position 1235, C replaced by T.
Protein change: p.Thr412Ile; replaces threonine 412 with isoleucine.
Molecular consequence: missense variant.
Genome position (GRCh38, 1-based): chr22:50,684,631, C>T. VCF-style: chr22-50684631-C-T. GRCh37 (hg19) VCF-style: chr22-51123059-C-T.
Other names: c.1010C>T, p.Thr337Ile (NM_033517.1); short protein forms T337I, T412I.
Identifiers: ClinVar variation 1727637 (VCV001727637.2), dbSNP rs869312715, ClinGen allele CA325543993.

ClinVar aggregate classification (germline): Uncertain significance (1 of 4 stars; one submission).

Conditions:
Inborn genetic diseases. Identifiers: MedGen C0950123, MeSH D030342.

Allele frequency attached by ClinVar (database versions not stated): TOPMed 0.00002.

Submission:

Ambry Genetics
Classification: Uncertain significance for Inborn genetic diseases. Last evaluated: 2017-12-19. Review status: criteria provided, single submitter. Criteria: Ambry Variant Classification Scheme 2023. Collection method: clinical testing. Allele origin: germline.
Comment: The p.T337I variant (also known as c.1010C>T), located in coding exon 9 of the SHANK3 gene, results from a C to T substitution at nucleotide position 1010. The threonine at codon 337 is replaced by isoleucine, an amino acid with similar properties. Another alteration affecting the same amino acid, p.T337S (c.1010C>G), has been reported once in an intellectual disability cohort (Bowling KM et al. Genome Med, 2017 May;9:43). This amino acid position is not well conserved in available vertebrate species, and isoleucine is the reference amino acid in other vertebrate species. Since supporting evidence is limited at this time, the clinical significance of this alteration remains unclear.